The following is an entry in ClinVar:

NM_001184.4(ATR):c.684dup (p.Leu229fs)

Gene: ATR (ATR checkpoint kinase; minus strand). Cytogenetic location: 3q23.
Variant type: Duplication.
Coding change: c.684dup on transcript NM_001184.4 (MANE Select); coding-DNA position 684, one base duplicated (A; older notation c.684dupA).
Protein change: p.Leu229fs; shifts the reading frame from leucine 229.
Molecular consequence: frameshift variant.
Genome position (GRCh38, 1-based): chr3:142,562,718, T duplicated on the plus strand (A on the coding strand, the reverse complement: ATR is on the minus strand). VCF-style (leftmost placement, unchanged base first): chr3-142562717-G-GT. GRCh37 (hg19) VCF-style: chr3-142281559-G-GT.
Other names: c.684dup, p.Leu229fs (NM_001354579.2); short protein forms L229fs.
Identifiers: ClinVar variation 4805035 (VCV004805035.1).

ClinVar aggregate classification (germline): Pathogenic (1 of 4 stars; one submission).

Submission:

Labcorp Genetics (formerly Invitae), Labcorp
Classification: Pathogenic. Last evaluated: 2025-03-18. Review status: criteria provided, single submitter. Criteria: Invitae Variant Classification Sherloc (09022015). Collection method: clinical testing. Allele origin: germline.
Comment: This sequence change creates a premature translational stop signal (p.Leu229Thrfs*13) in the ATR gene. It is expected to result in an absent or disrupted protein product. Loss-of-function variants in ATR are known to be pathogenic (PMID: 21228398, 23144622). This variant is not present in population databases (gnomAD no frequency). This variant has not been reported in the literature in individuals affected with ATR-related conditions. For these reasons, this variant has been classified as Pathogenic.

Literature cited by the submitters: PubMed 21228398; PubMed 23144622.